The following is an entry in ClinVar:

NM_138713.4(NFAT5):c.2320C>A (p.Gln774Lys)

Gene: NFAT5 (nuclear factor of activated T cells 5; plus strand). Cytogenetic location: 16q22.1.
Variant type: single nucleotide variant.
Coding change: c.2320C>A on transcript NM_138713.4 (MANE Select); coding-DNA position 2320, C replaced by A.
Protein change: p.Gln774Lys; replaces glutamine 774 with lysine.
Molecular consequence: missense variant.
Genome position (GRCh38, 1-based): chr16:69,692,145, C>A. VCF-style: chr16-69692145-C-A. GRCh37 (hg19) VCF-style: chr16-69726048-C-A.
Other names: c.2317C>A, p.Gln773Lys (NM_001113178.3); c.1645C>A, p.Gln549Lys (NM_001367709.1); c.2266C>A, p.Gln756Lys (NM_006599.4); c.2038C>A, p.Gln680Lys (NM_138714.4, NM_173214.3, NM_173215.3); short protein forms Q549K, Q774K, Q756K, Q773K, Q680K.
Identifiers: ClinVar variation 1472932 (VCV001472932.8), dbSNP rs2151719034, ClinGen allele CA396508443.

ClinVar aggregate classification (germline): Uncertain significance (1 of 4 stars; one submission).

Conditions:
Immunodeficiency. Identifiers: MedGen C0021051, MONDO:0021094, HP:0002721.

gnomAD v4.1: 4 of 1,614,146 alleles (0.00025%); highest among the groups gnomAD compares: Non-Finnish European, 0.00034%; no homozygotes.

Submission:

Labcorp Genetics (formerly Invitae), Labcorp
Classification: Uncertain significance for Immunodeficiency. Last evaluated: 2023-06-15. Review status: criteria provided, single submitter. Criteria: Invitae Variant Classification Sherloc (09022015). Collection method: clinical testing. Allele origin: germline.
Comment: In summary, the available evidence is currently insufficient to determine the role of this variant in disease. Therefore, it has been classified as a Variant of Uncertain Significance. An algorithm developed to predict the effect of missense changes on protein structure and function (PolyPhen-2) suggests that this variant is likely to be disruptive. ClinVar contains an entry for this variant (Variation ID: 1472932). This variant has not been reported in the literature in individuals affected with NFAT5-related conditions. This variant is not present in population databases (gnomAD no frequency). This sequence change replaces glutamine, which is neutral and polar, with lysine, which is basic and polar, at codon 680 of the NFAT5 protein (p.Gln680Lys).